The following is an entry in ClinVar:

NM_000051.4(ATM):c.4781T>C (p.Ile1594Thr)

Gene: ATM (ATM serine/threonine kinase; plus strand). Cytogenetic location: 11q22.3.
Variant type: single nucleotide variant.
Coding change: c.4781T>C on transcript NM_000051.4 (MANE Select); coding-DNA position 4781, T replaced by C.
Protein change: p.Ile1594Thr; replaces isoleucine 1594 with threonine.
Molecular consequence: missense variant.
Genome position (GRCh38, 1-based): chr11:108,294,931, T>C. VCF-style: chr11-108294931-T-C. GRCh37 (hg19) VCF-style: chr11-108165658-T-C.
Other names: c.4781T>C, p.Ile1594Thr (NM_001351834.2); short protein forms I1594T.
Identifiers: ClinVar variation 481288 (VCV000481288.13), dbSNP rs1555101621, ClinGen allele CA382536142.
Genomic context (GRCh38, chr11:108,294,931, plus strand): 5'-TTATTTCACAGGCTTAACCAATACGTGTTAAAAGCAAGTTACATTTTCTCTTTTAGGAAA[T>C]TAACCATTTTCTCTCAGTAAGTGTTTATGATGCACTTCCATTGACAAGACTTGAAGGACT-3'
Protein context (NP_000042.3, residues 1584-1604): SRGPFSLLEE[Ile1594Thr]NHFLSVSVYD

ClinVar aggregate classification (germline): Uncertain significance. Review status: criteria provided, multiple submitters, no conflicts (2 of 4 stars). 4 submissions from 4 submitters: Uncertain significance (4). Last evaluated 2025-04-28.

Conditions:
Hereditary cancer-predisposing syndrome. Also called: Hereditary neoplastic syndrome; Neoplastic Syndromes, Hereditary; Tumor predisposition; Hereditary Cancer Syndrome. Identifiers: Orphanet 140162, MedGen C0027672, MeSH D009386, MONDO:0015356.
Ataxia-telangiectasia syndrome (AT). Also called: LOUIS-BAR SYNDROME; Cerebello-oculocutaneous telangiectasia; Immunodeficiency with ataxia telangiectasia; AT, COMPLEMENTATION GROUP C; Ataxia-telangiectasia, complementation group D; ATAXIA-TELANGIECTASIA, COMPLEMENTATION GROUP A. Identifiers: Orphanet 100, MedGen C0004135, MONDO:0008840, OMIM 208900.
Familial cancer of breast. Also called: BREAST CANCER, FAMILIAL; Hereditary breast cancer; hereditary breast carcinoma. Identifiers: Orphanet 227535, MedGen C0346153, MONDO:0016419, OMIM 114480. Disease mechanism: loss of function.

Allele frequency attached by ClinVar (database versions not stated): gnomAD exomes below 0.00001.
gnomAD v4.1: 1 of 1,613,774 alleles (0.000062%); highest among the groups gnomAD compares: Non-Finnish European, 0.000085%; no homozygotes.

Submissions (4):

Color Diagnostics, LLC DBA Color Health
Classification: Uncertain significance for Hereditary cancer-predisposing syndrome. Last evaluated: 2025-04-28. Review status: criteria provided, single submitter. Criteria: ACMG Guidelines, 2015. Collection method: clinical testing. Allele origin: germline.
Comment: This missense variant replaces isoleucine with threonine at codon 1594 of the ATM protein. Computational prediction suggests that this variant may have deleterious impact on protein structure and function. To our knowledge, functional studies have not been reported for this variant. This variant has not been reported in individuals affected with ATM-related disorders in the literature. This variant has not been identified in the general population by the Genome Aggregation Database (gnomAD). The available evidence is insufficient to determine the role of this variant in disease conclusively. Therefore, this variant is classified as a Variant of Uncertain Significance.

Ambry Genetics
Classification: Uncertain significance for Hereditary cancer-predisposing syndrome. Last evaluated: 2025-01-28. Review status: criteria provided, single submitter. Criteria: Ambry Variant Classification Scheme 2023. Collection method: clinical testing. Allele origin: germline.
Comment: The p.I1594T variant (also known as c.4781T>C), located in coding exon 31 of the ATM gene, results from a T to C substitution at nucleotide position 4781. The isoleucine at codon 1594 is replaced by threonine, an amino acid with similar properties. This amino acid position is highly conserved in available vertebrate species. In addition, this alteration is predicted to be deleterious by in silico analysis. Based on the available evidence, the clinical significance of this variant remains unclear.

Baylor Genetics
Classification: Uncertain significance for Familial cancer of breast. Last evaluated: 2024-01-08. Review status: criteria provided, single submitter. Criteria: ACMG Guidelines, 2015. Collection method: clinical testing. Allele origin: unknown.

Labcorp Genetics (formerly Invitae), Labcorp
Classification: Uncertain significance for Ataxia-telangiectasia syndrome. Last evaluated: 2023-06-05. Review status: criteria provided, single submitter. Criteria: Invitae Variant Classification Sherloc (09022015). Collection method: clinical testing. Allele origin: germline.
Comment: This sequence change replaces isoleucine, which is neutral and non-polar, with threonine, which is neutral and polar, at codon 1594 of the ATM protein (p.Ile1594Thr). This variant is not present in population databases (gnomAD no frequency). This variant has not been reported in the literature in individuals affected with ATM-related conditions. In summary, the available evidence is currently insufficient to determine the role of this variant in disease. Therefore, it has been classified as a Variant of Uncertain Significance. An algorithm developed to predict the effect of missense changes on protein structure and function (PolyPhen-2) suggests that this variant is likely to be disruptive. ClinVar contains an entry for this variant (Variation ID: 481288).